The following is an entry in ClinVar:

ClinVar aggregate classification (germline): Conflicting classifications of pathogenicity. Review status: criteria provided, conflicting classifications (1 of 4 stars). 8 submissions from 7 submitters: Uncertain significance (1); Benign (3); Likely benign (4). Last evaluated 2026-05-01.

Conditions:
Osteogenesis Imperfecta, Recessive.
Osteogenesis imperfecta type 8 (OI8). Identifiers: MedGen C1970458, MONDO:0012581, OMIM 610915.

Allele frequency attached by ClinVar (database versions not stated): gnomAD exomes 0.00024; ExAC 0.00083; ESP Exome Variant Server 0.00254; 1000 Genomes Project 0.00260; gnomAD 0.00271 and 0.00294; TOPMed 0.00279; 1000 Genomes Project 30x 0.00297.

Submissions (12):

CeGaT Center for Human Genetics Tuebingen
Classification: Likely benign. Last evaluated: 2026-05-01. Review status: criteria provided, single submitter. Criteria: CeGaT Center For Human Genetics Tuebingen Variant Classification Criteria Version 2. Collection method: clinical testing. Allele origin: germline. Affected: yes. Observed: 1 variant allele.
Comment: P3H1: BP4, BS1

Labcorp Genetics (formerly Invitae), Labcorp
Classification: Benign for Osteogenesis imperfecta type 8. Last evaluated: 2026-01-31. Review status: criteria provided, single submitter. Criteria: Invitae Variant Classification Sherloc (09022015). Collection method: clinical testing. Allele origin: germline.

ARUP Laboratories, Molecular Genetics and Genomics, ARUP Laboratories
Classification: Likely benign for Osteogenesis imperfecta type 8. Last evaluated: 2025-07-24. Review status: criteria provided, single submitter. Criteria: ARUP Molecular Germline Variant Investigation Process 2024. Collection method: clinical testing. Allele origin: germline.

Blueprint Genetics
Classification: Likely benign. Last evaluated: 2024-10-24. Review status: criteria provided, single submitter. Criteria: ACMG Guidelines, 2015. Collection method: clinical testing. Allele origin: germline.

GeneDx
Classification: Benign. Last evaluated: 2019-12-30. Review status: criteria provided, single submitter. Criteria: GeneDx Variant Classification Process June 2021. Collection method: clinical testing. Allele origin: germline. Affected: yes.

Illumina Laboratory Services, Illumina
Classification: Likely benign for Osteogenesis imperfecta type 8. Last evaluated: 2018-01-13. Review status: criteria provided, single submitter. Criteria: ICSL Variant Classification Criteria 13 December 2019. Collection method: clinical testing. Allele origin: germline.
Comment: This variant was observed in the ICSL laboratory as part of a predisposition screen in an ostensibly healthy population. It had not been previously curated by ICSL or reported in the Human Gene Mutation Database (HGMD: prior to June 1st, 2018), and was therefore a candidate for classification through an automated scoring system. Utilizing variant allele frequency, disease prevalence and penetrance estimates, and inheritance mode, an automated score was calculated to assess if this variant is too frequent to cause the disease. Based on the score and internal cut-off values, a variant classified as likely benign is not then subjected to further curation. The score for this variant resulted in a classification of likely benign for this disease.

Eurofins Ntd Llc (ga)
Classification: Benign. Last evaluated: 2017-06-07. Review status: criteria provided, single submitter. Criteria: EGL Classification Definitions 2015. Collection method: clinical testing. Allele origin: germline. Observed: 1 variant allele, 1 heterozygote.

Illumina Laboratory Services, Illumina
Classification: Uncertain significance for Osteogenesis Imperfecta, Recessive. Last evaluated: 2017-04-27. Review status: criteria provided, single submitter. Criteria: ICSL Variant Classification Criteria 13 December 2019. Collection method: clinical testing. Allele origin: germline.

Dr. Peter K. Rogan Lab, Western University
No classification provided (evidence only). Condition: Cervical cancer. Review status: no classification provided. Collection method: in vitro. Allele origin: not applicable. Functional consequence: retained intron. Not counted in ClinVar's aggregate classification.

Dr. Peter K. Rogan Lab, Western University
No classification provided (evidence only). Condition: Malignant tumor of esophagus. Review status: no classification provided. Collection method: in vitro. Allele origin: not applicable. Functional consequence: retained intron. Not counted in ClinVar's aggregate classification.

Dr. Peter K. Rogan Lab, Western University
No classification provided (evidence only). Condition: Lung cancer. Review status: no classification provided. Collection method: in vitro. Allele origin: not applicable. Functional consequence: retained intron. Not counted in ClinVar's aggregate classification.

Dr. Peter K. Rogan Lab, Western University
No classification provided (evidence only). Condition: Colon adenocarcinoma. Review status: no classification provided. Collection method: in vitro. Allele origin: not applicable. Functional consequence: retained intron. Not counted in ClinVar's aggregate classification.

NM_022356.4(P3H1):c.1473+5G>T

Gene: P3H1 (prolyl 3-hydroxylase 1; minus strand). Cytogenetic location: 1p34.2.
Variant type: single nucleotide variant.
Coding change: c.1473+5G>T on transcript NM_022356.4 (MANE Select); 5 bases into the intron after coding-DNA position 1473, G replaced by T.
Molecular consequence: intron variant.
Genome position (GRCh38, 1-based): chr1:42,752,532, C>A on the plus strand (G>T on the coding strand, the complement: P3H1 is on the minus strand). VCF-style: chr1-42752532-C-A. GRCh37 (hg19) VCF-style: chr1-43218203-C-A.
Other names: c.1473+5G>T (NM_001146289.2, NM_001243246.2).
Identifiers: ClinVar variation 387904 (VCV000387904.27), dbSNP rs114044880, ClinGen allele CA801839.